The following is an entry in ClinVar:

NM_021224.6(ZNF462):c.1615C>T (p.Gln539Ter)

Gene: ZNF462 (zinc finger protein 462; plus strand). Cytogenetic location: 9q31.2.
Variant type: single nucleotide variant.
Coding change: c.1615C>T on transcript NM_021224.6 (MANE Select); coding-DNA position 1615, C replaced by T.
Protein change: p.Gln539Ter; replaces glutamine 539 with a stop codon.
Molecular consequence: nonsense.
Genome position (GRCh38, 1-based): chr9:106,925,527, C>T. VCF-style: chr9-106925527-C-T. GRCh37 (hg19) VCF-style: chr9-109687808-C-T.
Other names: c.1615C>T, p.Gln539Ter (NM_001347997.2); short protein forms Q539*.
Identifiers: ClinVar variation 3256773 (VCV003256773.1).

ClinVar aggregate classification (germline): Likely pathogenic (0 of 4 stars; one submission).

Conditions:
Weiss-Kruszka syndrome. Also called: Metopic ridging-ptosis-facial dysmorphism syndrome. Identifiers: Orphanet 502430, MedGen C5568107, MONDO:0032836, OMIM 618619.

Submission:

Solve-RD Consortium
Classification: Likely pathogenic for Weiss-Kruszka syndrome. Last evaluated: 2022-06-01. Review status: no assertion criteria provided. Collection method: provider interpretation. Allele origin: inherited. Affected: yes.
Comment: Variant confirmed as disease-causing by referring clinical team

Variant identified during reanalysis of unsolved cases by the Solve-RD project. The Solve-RD project has received funding from the European Union’s Horizon 2020 research and innovation programme under grant agreement No 779257.

Literature cited by the submitters: PubMed 39825153.